The following is an entry in ClinVar:

NM_015215.4(CAMTA1):c.4532T>C (p.Phe1511Ser)

Gene: CAMTA1 (calmodulin binding transcription activator 1; plus strand). Cytogenetic location: 1p36.23.
Variant type: single nucleotide variant.
Coding change: c.4532T>C on transcript NM_015215.4 (MANE Select); coding-DNA position 4532, T replaced by C.
Protein change: p.Phe1511Ser; replaces phenylalanine 1511 with serine.
Molecular consequence: missense variant.
Genome position (GRCh38, 1-based): chr1:7,746,006, T>C. VCF-style: chr1-7746006-T-C. GRCh37 (hg19) VCF-style: chr1-7806066-T-C.
Other names: c.4442T>C, p.Phe1481Ser (NM_001349608.2); c.4193T>C, p.Phe1398Ser (NM_001349609.2, NM_001349610.2, NM_001410737.1); c.4103T>C, p.Phe1368Ser (NM_001349612.2); c.1661T>C, p.Phe554Ser (NM_001349613.1); c.1604T>C, p.Phe535Ser (NM_001349614.1, NM_001349615.2, NM_001349616.2 and 2 more transcripts); c.1265T>C, p.Phe422Ser (NM_001349619.2, NM_001349620.1, NM_001349621.1 and 5 more transcripts); c.4121T>C, p.Phe1374Ser (NM_001410738.1); short protein forms F1368S, F1374S, F1398S, F1481S, F1511S, F422S, F535S, F554S.
Identifiers: ClinVar variation 4532595 (VCV004532595.1).

ClinVar aggregate classification (germline): Uncertain significance (1 of 4 stars; one submission).

gnomAD v4.1: 1 of 1,614,186 alleles (0.000062%); highest among the groups gnomAD compares: Non-Finnish European, 0.000085%; no homozygotes.

Submission:

GeneDx
Classification: Uncertain significance. Last evaluated: 2025-05-27. Review status: criteria provided, single submitter. Criteria: GeneDx Variant Classification Process June 2021. Collection method: clinical testing. Allele origin: germline. Affected: yes.
Comment: Not observed at significant frequency in large population cohorts (gnomAD); In silico analysis supports that this missense variant has a deleterious effect on protein structure/function; Has not been previously published as pathogenic or benign to our knowledge